The following is an entry in ClinVar:

NM_001134665.3(TRMT10A):c.701T>G (p.Leu234Arg)

Gene: TRMT10A (tRNA methyltransferase 10A; minus strand). Cytogenetic location: 4q23.
Variant type: single nucleotide variant.
Coding change: c.701T>G on transcript NM_001134665.3 (MANE Select); coding-DNA position 701, T replaced by G.
Protein change: p.Leu234Arg; replaces leucine 234 with arginine.
Molecular consequence: missense variant.
Genome position (GRCh38, 1-based): chr4:99,550,935, A>C on the plus strand (T>G on the coding strand, the complement: TRMT10A is on the minus strand). VCF-style: chr4-99550935-A-C. GRCh37 (hg19) VCF-style: chr4-100472092-A-C.
Other names: c.701T>G, p.Leu234Arg (NM_001134666.3, NM_001375880.1, NM_001375881.1 and 1 more transcripts); c.680T>G, p.Leu227Arg (NM_001375882.1); short protein forms L234R, L227R.
Identifiers: ClinVar variation 2000024 (VCV002000024.4), dbSNP rs1482595994, ClinGen allele CA357508117.

ClinVar aggregate classification (germline): Uncertain significance (1 of 4 stars; one submission).

Submission:

Labcorp Genetics (formerly Invitae), Labcorp
Classification: Uncertain significance. Last evaluated: 2022-05-28. Review status: criteria provided, single submitter. Criteria: Invitae Variant Classification Sherloc (09022015). Collection method: clinical testing. Allele origin: germline.
Comment: In summary, the available evidence is currently insufficient to determine the role of this variant in disease. Therefore, it has been classified as a Variant of Uncertain Significance. Algorithms developed to predict the effect of missense changes on protein structure and function (SIFT, PolyPhen-2, Align-GVGD) all suggest that this variant is likely to be disruptive. This variant has not been reported in the literature in individuals affected with TRMT10A-related conditions. This variant is not present in population databases (gnomAD no frequency). This sequence change replaces leucine, which is neutral and non-polar, with arginine, which is basic and polar, at codon 234 of the TRMT10A protein (p.Leu234Arg).